The following is an entry in ClinVar:

ClinVar aggregate classification (germline): Pathogenic/Likely pathogenic. Review status: criteria provided, multiple submitters, no conflicts (2 of 4 stars). 2 submissions from 2 submitters: Pathogenic (1); Likely pathogenic (1). Last evaluated 2024-04-05.

Conditions:
Smith-Magenis syndrome (SMS). Also called: CHROMOSOME 17p11.2 DELETION SYNDROME. Identifiers: Orphanet 819, MedGen C0795864, MONDO:0008434, OMIM 182290.

Submissions (2):

Labcorp Genetics (formerly Invitae), Labcorp
Classification: Pathogenic. Last evaluated: 2024-04-05. Review status: criteria provided, single submitter. Criteria: Invitae Variant Classification Sherloc (09022015). Collection method: clinical testing. Allele origin: germline.
Comment: This sequence change creates a premature translational stop signal (p.Arg5*) in the RAI1 gene. It is expected to result in an absent or disrupted protein product. Loss-of-function variants in RAI1 are known to be pathogenic (PMID: 21857958, 24715852). This variant is not present in population databases (gnomAD no frequency). This variant has not been reported in the literature in individuals affected with RAI1-related conditions. ClinVar contains an entry for this variant (Variation ID: 1679394). For these reasons, this variant has been classified as Pathogenic.

Department of Clinical Genetics, Copenhagen University Hospital, Rigshospitalet
Classification: Likely pathogenic for Smith-Magenis syndrome. Last evaluated: 2021-08-01. Review status: criteria provided, single submitter. Criteria: ACMG Guidelines, 2015. Collection method: clinical testing. Allele origin: unknown. Affected: yes.

Literature cited by the submitters: PubMed 21857958 (cited by Labcorp Genetics (formerly Invitae), Labcorp); PubMed 24715852 (cited by Labcorp Genetics (formerly Invitae), Labcorp).

NM_030665.4(RAI1):c.13C>T (p.Arg5Ter)

Gene: RAI1 (retinoic acid induced 1; plus strand). Cytogenetic location: 17p11.2.
Variant type: single nucleotide variant.
Coding change: c.13C>T on transcript NM_030665.4 (MANE Select); coding-DNA position 13, C replaced by T.
Protein change: p.Arg5Ter; replaces arginine 5 with a stop codon.
Molecular consequence: nonsense.
Genome position (GRCh38, 1-based): chr17:17,792,961, C>T. VCF-style: chr17-17792961-C-T. GRCh37 (hg19) VCF-style: chr17-17696275-C-T.
Other names: short protein forms R5*.
Identifiers: ClinVar variation 1679394 (VCV001679394.5), dbSNP rs2143001434, ClinGen allele CA398544561.